The following is an entry in ClinVar:

ClinVar aggregate classification (germline): Uncertain significance. Review status: criteria provided, multiple submitters, no conflicts (2 of 4 stars). 3 submissions from 3 submitters: Uncertain significance (3). Last evaluated 2026-01-14.

Conditions:
Inborn genetic diseases. Identifiers: MedGen C0950123, MeSH D030342.
Pulmonary fibrosis and/or bone marrow failure, Telomere-related, 3. Also called: PULMONARY FIBROSIS AND/OR BONE MARROW FAILURE SYNDROME, TELOMERE-RELATED, 3. Identifiers: Orphanet 2032, MedGen C4225346, MONDO:0014613, OMIM 616373.
Dyskeratosis congenita, autosomal recessive 5 (DKCB5). Identifiers: MedGen C3554656, MONDO:0014076, OMIM 615190.

Allele frequency attached by ClinVar (database versions not stated): gnomAD 0.00003; gnomAD exomes 0.00003; ESP Exome Variant Server 0.00008; ExAC 0.00002; TOPMed 0.00003.
gnomAD v4.1: 52 of 1,612,440 alleles (0.0032%); highest among the groups gnomAD compares: Middle Eastern, 0.017%; no homozygotes.

Submissions (3):

Labcorp Genetics (formerly Invitae), Labcorp
Classification: Uncertain significance for Dyskeratosis congenita, autosomal recessive 5; Pulmonary fibrosis and/or bone marrow failure, Telomere-related, 3. Last evaluated: 2026-01-14. Review status: criteria provided, single submitter. Criteria: Invitae Variant Classification Sherloc (09022015). Collection method: clinical testing. Allele origin: germline.
Comment: This sequence change replaces arginine, which is basic and polar, with threonine, which is neutral and polar, at codon 895 of the RTEL1 protein (p.Arg895Thr). This variant is present in population databases (rs150564915, gnomAD 0.008%). This variant has not been reported in the literature in individuals affected with RTEL1-related conditions. ClinVar contains an entry for this variant (Variation ID: 2230203). An algorithm developed to predict the effect of missense changes on protein structure and function (PolyPhen-2) suggests that this variant is likely to be tolerated. In summary, the available evidence is currently insufficient to determine the role of this variant in disease. Therefore, it has been classified as a Variant of Uncertain Significance.

GeneDx
Classification: Uncertain significance. Last evaluated: 2023-07-23. Review status: criteria provided, single submitter. Criteria: GeneDx Variant Classification Process June 2021. Collection method: clinical testing. Allele origin: germline. Affected: yes.
Comment: Not observed at significant frequency in large population cohorts (gnomAD); In silico analysis supports that this missense variant has a deleterious effect on protein structure/function; Has not been previously published as pathogenic or benign to our knowledge

Ambry Genetics
Classification: Uncertain significance for Inborn genetic diseases. Last evaluated: 2021-04-30. Review status: criteria provided, single submitter. Criteria: Ambry Variant Classification Scheme 2023. Collection method: clinical testing. Allele origin: germline.

NM_001283009.2(RTEL1):c.2684G>C (p.Arg895Thr)

Genes: RTEL1 (regulator of telomere elongation helicase 1; plus strand), RTEL1-TNFRSF6B (RTEL1-TNFRSF6B readthrough (NMD candidate); plus strand). Cytogenetic location: 20q13.33.
Variant type: single nucleotide variant.
Coding change: c.2684G>C on transcript NM_001283009.2 (MANE Select); coding-DNA position 2684, G replaced by C.
Protein change: p.Arg895Thr; replaces arginine 895 with threonine.
Molecular consequence: missense variant. On other transcripts: non-coding transcript variant (1).
Genome position (GRCh38, 1-based): chr20:63,692,836, G>C. VCF-style: chr20-63692836-G-C. GRCh37 (hg19) VCF-style: chr20-62324189-G-C.
Other names: c.2015G>C, p.Arg672Thr (NM_001283010.1); c.2684G>C, p.Arg895Thr (NM_016434.4); c.2756G>C, p.Arg919Thr (NM_032957.5); short protein forms R672T, R895T, R919T.
Identifiers: ClinVar variation 2230203 (VCV002230203.6), dbSNP rs150564915, ClinGen allele CA9965500.
Genomic context (GRCh38, chr20:63,692,836, plus strand): 5'-TGATGGAGCCTCGGGCCTGTGTCCTGCAGGAGGAGCCCGTGGCTGGTGCACAGACGGACA[G>C]GGCCAAGCTCTTCATGGTGGCCGTGAAGCAGGAGTTGAGCCAAGCCAACTTTGCCACCTT-3'
Protein context (NP_001269938.1, residues 885-905): EEPVAGAQTD[Arg895Thr]AKLFMVAVKQ